The following is an entry in ClinVar:

NM_006312.6(NCOR2):c.3078G>A (p.Pro1026=)

Gene: NCOR2 (nuclear receptor corepressor 2; minus strand). Cytogenetic location: 12q24.31.
Variant type: single nucleotide variant.
Coding change: c.3078G>A on transcript NM_006312.6 (MANE Select); coding-DNA position 3078, G replaced by A.
Protein change: p.Pro1026=; no amino-acid change (proline 1026 retained).
Molecular consequence: synonymous variant.
Genome position (GRCh38, 1-based): chr12:124,362,148, C>T on the plus strand (G>A on the coding strand, the complement: NCOR2 is on the minus strand). VCF-style: chr12-124362148-C-T. GRCh37 (hg19) VCF-style: chr12-124846694-C-T.
Other names: c.3024G>A, p.Pro1008= (NM_001077261.4, NM_001206654.2).
Identifiers: ClinVar variation 3044167 (VCV003044167.2), dbSNP rs35024414, ClinGen allele CA6868837.

ClinVar aggregate classification (germline): Likely benign (0 of 4 stars; one submission).

Conditions:
NCOR2-related disorder. Also called: NCOR2-related condition.

Allele frequency attached by ClinVar (database versions not stated): 1000 Genomes Project 30x 0.00125; 1000 Genomes Project 0.00140; gnomAD 0.00141; ExAC 0.00159; ESP Exome Variant Server 0.00175.
gnomAD v4.1: 2,216 of 1,302,912 alleles (0.17%); highest among the groups gnomAD compares: Non-Finnish European, 0.19%; 3 homozygotes.

Submission:

PreventionGenetics, part of Exact Sciences
Classification: Likely benign for NCOR2-related condition. Last evaluated: 2019-03-13. Review status: no assertion criteria provided. Collection method: clinical testing. Allele origin: germline.
Comment: This variant is classified as likely benign based on ACMG/AMP sequence variant interpretation guidelines (Richards et al. 2015 PMID: 25741868, with internal and published modifications).